The following is an entry in ClinVar:

ClinVar aggregate classification (germline): Uncertain significance (1 of 4 stars; one submission).

Submission:

Labcorp Genetics (formerly Invitae), Labcorp
Classification: Uncertain significance. Last evaluated: 2022-07-21. Review status: criteria provided, single submitter. Criteria: Invitae Variant Classification Sherloc (09022015). Collection method: clinical testing. Allele origin: germline.
Comment: In summary, the available evidence is currently insufficient to determine the role of this variant in disease. Therefore, it has been classified as a Variant of Uncertain Significance. Experimental studies and prediction algorithms are not available or were not evaluated, and the effect of this variant on mRNA splicing is currently unknown. This variant has not been reported in the literature in individuals affected with GPC6-related conditions. This variant is not present in population databases (gnomAD no frequency). This sequence change falls in intron 4 of the GPC6 gene. It does not directly change the encoded amino acid sequence of the GPC6 protein.

NM_005708.5(GPC6):c.877+15_877+16insTGTGATTCTTAAACACCTTCATCATGGAACTCTCAGAGTGGGGTCCGTTTTGGTTTCCTGGTGGTGGGTTTTNNNNNNNNNNAAAAAAAAAAAAAAAAAAAAAAGAAGTGTTTAA

Gene: GPC6 (glypican 6; plus strand). Cytogenetic location: 13q31.3.
Variant type: Microsatellite.
Coding change: c.877+15_877+16insTGTGATTCTTAAACACCTTCATCATGGAACTCTCAGAGTGGGGTCCGTTTTGGTTTCCTGGTGGTGGGTTTTNNNNNNNNNNAAAAAAAAAAAAAAAAAAAAAAGAAGTGTTTAA on transcript NM_005708.5 (MANE Select); bases 15 to 16 of the intron after coding-DNA position 877, TGTGATTCTTAAACACCTTCATCATGGAACTCTCAGAGTGGGGTCCGTTTTGGTTTCCTGGTGGTGGGTTTTNNNNNNNNNNAAAAAAAAAAAAAAAAAAAAAAGAAGTGTTTAA inserted.
Molecular consequence: intron variant.
Genome position: GRCh38: chr13:94,027,897-94,027,909. GRCh37 (hg19): chr13:94,680,151-94,680,163.
Identifiers: ClinVar variation 2018631 (VCV002018631.4).